The following is an entry in ClinVar:

ClinVar aggregate classification (germline): Uncertain significance (1 of 4 stars; one submission).

Conditions:
Neuropathy, hereditary sensory and autonomic, type 2A (HSAN2A). Also called: HSAN IIA; ACROOSTEOLYSIS, GIACCAI TYPE; ACROOSTEOLYSIS, NEUROGENIC; WNK1-Related HSAN2 (HSAN2A); MORVAN DISEASE; NEUROPATHY, CONGENITAL SENSORY. Identifiers: Orphanet 970, MedGen C2752089, MONDO:0024309, OMIM 201300.
Pseudohypoaldosteronism type 2C (PHA2C). Also called: Pseudohypoaldosteronism Type IIC. Identifiers: Orphanet 757, Orphanet 88940, MedGen C1840391, MONDO:0013778, OMIM 614492.

Allele frequency attached by ClinVar (database versions not stated): ExAC 0.00001.
gnomAD v4.1: 1 of 1,530,472 alleles (0.000065%); highest among the groups gnomAD compares: Admixed American, 0.0017%; no homozygotes.

Submission:

Labcorp Genetics (formerly Invitae), Labcorp
Classification: Uncertain significance for Neuropathy, hereditary sensory and autonomic, type 2A; Pseudohypoaldosteronism type 2C. Last evaluated: 2018-06-21. Review status: criteria provided, single submitter. Criteria: Invitae Variant Classification Sherloc (09022015). Collection method: clinical testing. Allele origin: germline.
Comment: In summary, the available evidence is currently insufficient to determine the role of this variant in disease. Therefore, it has been classified as a Variant of Uncertain Significance. Algorithms developed to predict the effect of missense changes on protein structure and function (SIFT, PolyPhen-2, Align-GVGD) all suggest that this variant is likely to be disruptive, but these predictions have not been confirmed by published functional studies and their clinical significance is uncertain. This variant has not been reported in the literature in individuals with WNK1-related disease. This variant is present in population databases (rs771383347, ExAC 0.009%). This sequence change replaces serine with glycine at codon 2372 of the WNK1 protein (p.Ser2372Gly). The serine residue is highly conserved and there is a small physicochemical difference between serine and glycine.

NM_018979.4(WNK1):c.7114A>G (p.Ser2372Gly)

Gene: WNK1 (WNK lysine deficient protein kinase 1; plus strand). Cytogenetic location: 12p13.33.
Variant type: single nucleotide variant.
Coding change: c.7114A>G on transcript NM_018979.4 (MANE Select); coding-DNA position 7114, A replaced by G.
Protein change: p.Ser2372Gly; replaces serine 2372 with glycine.
Molecular consequence: missense variant.
Genome position (GRCh38, 1-based): chr12:908,757, A>G. VCF-style: chr12-908757-A-G. GRCh37 (hg19) VCF-style: chr12-1017923-A-G.
Other names: c.7894A>G, p.Ser2632Gly (NM_001184985.2); c.6370A>G, p.Ser2124Gly (NM_014823.3); c.7870A>G, p.Ser2624Gly (NM_213655.5); short protein forms S2372G, S2624G, S2632G, S2124G.
Identifiers: ClinVar variation 573628 (VCV000573628.8), dbSNP rs771383347, ClinGen allele CA6383562.
Genomic context (GRCh38, chr12:908,757, plus strand): 5'-CAACCTGTGGGAACTGCCTCCTTGCAGAATTTCAACATCAGCAATTTGCAGAAATCCATC[A>G]GCAACCCCCCAGGCTCCAACCTGCGGACCACTTAGACCTAGAGACATTAACTGAATAGAT-3'
Protein context (NP_061852.3, residues 2362-2382): FNISNLQKSI[Ser2372Gly]NPPGSNLRTT